The following is an entry in ClinVar:

ClinVar aggregate classification (germline): Pathogenic (1 of 4 stars; one submission).

Conditions:
Primary ciliary dyskinesia. Also called: Ciliary dyskinesia. Identifiers: Orphanet 244, MedGen C0008780, MONDO:0016575, HP:0012265.

Submission:

Ambry Genetics
Classification: Pathogenic for Primary ciliary dyskinesia. Last evaluated: 2023-10-04. Review status: criteria provided, single submitter. Criteria: Ambry Variant Classification Scheme 2023. Collection method: clinical testing. Allele origin: germline.
Comment: The c.395_396delCC pathogenic mutation, located in coding exon 3 of the ARMC4 gene, results from a deletion of two nucleotides at nucleotide positions 395 to 396, causing a translational frameshift with a predicted alternate stop codon (p.P132Hfs*8). This variant is considered to be rare based on population cohorts in the Genome Aggregation Database (gnomAD). This alteration is expected to result in loss of function by premature protein truncation or nonsense-mediated mRNA decay. As such, this alteration is interpreted as a disease-causing mutation.

NM_018076.5(ODAD2):c.395_396del (p.Pro132fs)

Gene: ODAD2 (outer dynein arm docking complex subunit 2; minus strand). Cytogenetic location: 10p12.1.
Variant type: Deletion.
Coding change: c.395_396del on transcript NM_018076.5 (MANE Select); coding-DNA positions 395 to 396, 2 bases deleted (CC; older notation c.395_396delCC).
Protein change: p.Pro132fs; shifts the reading frame from proline 132.
Molecular consequence: frameshift variant.
Genome position (GRCh38, 1-based): chr10:27,985,198-27,985,199, GG deleted on the plus strand (CC on the coding strand, the reverse complement: ODAD2 is on the minus strand); deleting any 2 consecutive bases within chr10:27,985,198-27,985,201 gives the same sequence; the c. name uses the placement nearest the transcript's 3' end. VCF-style (leftmost placement, unchanged base first): chr10-27985197-TGG-T. GRCh37 (hg19) VCF-style: chr10-28274126-TGG-T.
Other names: c.395_396del, p.Pro132fs (NM_001290020.2); short protein forms P132fs.
Identifiers: ClinVar variation 3227120 (VCV003227120.1), dbSNP rs1277709050, ClinGen allele CA2574519068.